The following is an entry in ClinVar:

NM_031475.3(ESPN):c.1347CCCACC[3] (p.Pro453_Gly454insProPro)

Gene: ESPN (espin; plus strand). Cytogenetic location: 1p36.31.
Variant type: Microsatellite.
Coding change: c.1347CCCACC[3] on transcript NM_031475.3 (MANE Select); three copies in a row of the 6-base unit CCCACC starting at c.1347; the reference has two copies in a row; one copy, 6 bases duplicated.
Protein change: p.Pro453_Gly454insProPro.
Molecular consequence: inframe insertion.
Genome position (GRCh38, 1-based): chr1:6,445,824-6,445,829, CCCACC duplicated; duplicating any 6 consecutive bases within chr1:6,445,816-6,445,829 gives the same sequence; the position shown is the placement nearest the transcript's 3' end. VCF-style (leftmost placement, unchanged base first): chr1-6445815-G-GCCCCCA. GRCh37 (hg19) VCF-style: chr1-6505875-G-GCCCCCA.
Other names: c.1347CCCACC[3], p.Pro453_Gly454insProPro (NM_001367473.1, NM_001367474.1).
Identifiers: ClinVar variation 3780993 (VCV003780993.1).
Genomic context (GRCh38, chr1:6,445,815, plus strand): 5'-CACACCCCCACCACCCCCACCCAGCTTCCCCCCGCCACCCCCGCCCCCAGGCACCCAACT[G>GCCCCCA]CCCCCACCCCCACCTGGCTACCCAGCTCCCAAGCCTCCTGTAGGACCACAGGCAGCTGAC-3'

ClinVar aggregate classification (germline): Uncertain significance (1 of 4 stars; one submission).

Submission:

GeneDx
Classification: Uncertain significance. Last evaluated: 2024-10-16. Review status: criteria provided, single submitter. Criteria: GeneDx Variant Classification Process June 2021. Collection method: clinical testing. Allele origin: germline. Affected: yes.
Comment: Not observed at significant frequency in large population cohorts (gnomAD); In-frame duplication of two amino acids in a repetitive region with no known function; Has not been previously published as pathogenic or benign to our knowledge